The following is an entry in ClinVar:

ClinVar aggregate classification (germline): Likely benign. Review status: criteria provided, multiple submitters, no conflicts (2 of 4 stars). 5 submissions from 5 submitters: Likely benign (4). 1 of the submissions does not count toward it. Last evaluated 2025-12-24.

Conditions:
RYR2-related disorder. Also called: RYR2-related condition.
Catecholaminergic polymorphic ventricular tachycardia 1. Also called: RYR2-Related Catecholaminergic Polymorphic Ventricular Tachycardia; VENTRICULAR TACHYCARDIA, STRESS-INDUCED POLYMORPHIC 1; VENTRICULAR TACHYCARDIA, CATECHOLAMINERGIC POLYMORPHIC, 1, WITH OR WITHOUT ATRIAL DYSFUNCTION AND/OR DILATED CARDIOMYOPATHY. Identifiers: Orphanet 3286, MedGen C1631597, MONDO:0011484, OMIM 604772.
Cardiovascular phenotype. Identifiers: MedGen CN230736.
Catecholaminergic polymorphic ventricular tachycardia (CVPT). Also called: Catecholamine-induced polymorphic ventricular tachycardia. Identifiers: Orphanet 3286, MedGen C5574922, MONDO:0017990.
Cardiomyopathy (CMYO). Also called: Cardiomyopathies. Identifiers: Orphanet 167848, MedGen C0878544, MONDO:0004994, HP:0001638. Inheritance: Various modes of inheritance.

Allele frequency attached by ClinVar (database versions not stated): gnomAD 0.00001; gnomAD exomes 0.00001 and 0.00005; TOPMed 0.00001; ExAC 0.00002.
gnomAD v4.1: 18 of 1,551,728 alleles (0.0012%); highest among the groups gnomAD compares: Admixed American, 0.012%; no homozygotes.

Submissions (5):

Labcorp Genetics (formerly Invitae), Labcorp
Classification: Likely benign for Catecholaminergic polymorphic ventricular tachycardia 1. Last evaluated: 2025-12-24. Review status: criteria provided, single submitter. Criteria: Invitae Variant Classification Sherloc (09022015). Collection method: clinical testing. Allele origin: germline.

All of Us Research Program, National Institutes of Health
Classification: Likely benign for Catecholaminergic polymorphic ventricular tachycardia. Last evaluated: 2024-02-05. Review status: criteria provided, single submitter. Criteria: ACMG Guidelines, 2015. Collection method: clinical testing. Allele origin: germline. Inheritance: Autosomal dominant inheritance. Observed: 8 variant alleles, 8 heterozygotes.
Comment: This study involves interpretation of variants in research participants for the purpose of population health screening. Participant phenotype was not available at the time of variant classification. Additional details can be found in publication PMID: 35346344, PMCID: PMC8962531

Color Diagnostics, LLC DBA Color Health
Classification: Likely benign for Cardiomyopathy. Last evaluated: 2019-08-20. Review status: criteria provided, single submitter. Criteria: ACMG Guidelines, 2015. Collection method: clinical testing. Allele origin: germline.

Ambry Genetics
Classification: Likely benign for Cardiovascular phenotype. Last evaluated: 2018-12-11. Review status: criteria provided, single submitter. Criteria: Ambry Variant Classification Scheme 2023. Collection method: clinical testing. Allele origin: germline.

PreventionGenetics, part of Exact Sciences
Classification: Likely benign for RYR2-related condition. Last evaluated: 2023-06-09. Review status: no assertion criteria provided. Collection method: clinical testing. Allele origin: germline. Not counted in ClinVar's aggregate classification.
Comment: This variant is classified as likely benign based on ACMG/AMP sequence variant interpretation guidelines (Richards et al. 2015 PMID: 25741868, with internal and published modifications).

NM_001035.3(RYR2):c.11958A>G (p.Leu3986=)

Gene: RYR2 (ryanodine receptor 2; plus strand). Cytogenetic location: 1q43.
Variant type: single nucleotide variant.
Coding change: c.11958A>G on transcript NM_001035.3 (MANE Select); coding-DNA position 11958, A replaced by G.
Protein change: p.Leu3986=; no amino-acid change (leucine 3986 retained).
Molecular consequence: synonymous variant.
Genome position (GRCh38, 1-based): chr1:237,781,642, A>G. VCF-style: chr1-237781642-A-G. GRCh37 (hg19) VCF-style: chr1-237944942-A-G.
Identifiers: ClinVar variation 742497 (VCV000742497.19), dbSNP rs762362078, ClinGen allele CA085087.